The following is an entry in ClinVar:

NM_004172.5(SLC1A3):c.*1747G>A

Genes: SLC1A3 (solute carrier family 1 member 3; plus strand), SLC1A3-AS1 (SLC1A3 antisense RNA 1; minus strand). Cytogenetic location: 5p13.2.
Variant type: single nucleotide variant.
Coding change: c.*1747G>A on transcript NM_004172.5 (MANE Select); 1747 bases downstream of the stop codon, G replaced by A.
Molecular consequence: 3 prime UTR variant.
Genome position (GRCh38, 1-based): chr5:36,688,016, G>A. VCF-style: chr5-36688016-G-A. GRCh37 (hg19) VCF-style: chr5-36688118-G-A.
Other names: c.*1747G>A (NM_001166695.3, NM_001289939.2, NM_001289940.2).
Identifiers: ClinVar variation 353358 (VCV000353358.5), dbSNP rs6886600, ClinGen allele CA10624568.

ClinVar aggregate classification (germline): Benign (1 of 4 stars; one submission).

Conditions:
Episodic ataxia type 6. Identifiers: Orphanet 209967, MedGen C2675211, MONDO:0012982, OMIM 612656.

Allele frequency attached by ClinVar (database versions not stated): gnomAD 0.00538 and 0.00580; TOPMed 0.00605; 1000 Genomes Project 0.00779; 1000 Genomes Project 30x 0.00828.

Submission:

Illumina Laboratory Services, Illumina
Classification: Benign for Episodic ataxia type 6. Last evaluated: 2018-01-12. Review status: criteria provided, single submitter. Criteria: ICSL Variant Classification Criteria 13 December 2019. Collection method: clinical testing. Allele origin: germline.
Comment: This variant was observed in the ICSL laboratory as part of a predisposition screen in an ostensibly healthy population. It had not been previously curated by ICSL or reported in the Human Gene Mutation Database (HGMD: prior to June 1st, 2018), and was therefore a candidate for classification through an automated scoring system. Utilizing variant allele frequency, disease prevalence and penetrance estimates, and inheritance mode, an automated score was calculated to assess if this variant is too frequent to cause the disease. Based on the score and internal cut-off values, a variant classified as benign is not then subjected to further curation. The score for this variant resulted in a classification of benign for this disease.